The following is an entry in ClinVar:

ClinVar aggregate classification (germline): Uncertain significance (1 of 4 stars; one submission).

Submission:

Ambry Genetics
Classification: Uncertain significance. Last evaluated: 2024-02-23. Review status: criteria provided, single submitter. Criteria: Ambry Variant Classification Scheme 2023. Collection method: clinical testing. Allele origin: germline.
Comment: The p.L868F variant (also known as c.2602C>T), located in coding exon 21 of the BUB1 gene, results from a C to T substitution at nucleotide position 2602. The leucine at codon 868 is replaced by phenylalanine, an amino acid with highly similar properties. This amino acid position is conserved. In addition, this alteration is predicted to be tolerated by in silico analysis. Based on the available evidence, the clinical significance of this alteration remains unclear.

NM_004336.5(BUB1):c.2602C>T (p.Leu868Phe)

Gene: BUB1 (BUB1 mitotic checkpoint serine/threonine kinase; minus strand). Cytogenetic location: 2q13.
Variant type: single nucleotide variant.
Coding change: c.2602C>T on transcript NM_004336.5 (MANE Select); coding-DNA position 2602, C replaced by T.
Protein change: p.Leu868Phe; replaces leucine 868 with phenylalanine.
Molecular consequence: missense variant.
Genome position (GRCh38, 1-based): chr2:110,641,665, G>A on the plus strand (C>T on the coding strand, the complement: BUB1 is on the minus strand). VCF-style: chr2-110641665-G-A. GRCh37 (hg19) VCF-style: chr2-111399242-G-A.
Other names: c.2542C>T, p.Leu848Phe (NM_001278616.2); c.2602C>T, p.Leu868Phe (NM_001278617.2); short protein forms L848F, L868F.
Identifiers: ClinVar variation 3224057 (VCV003224057.1), dbSNP rs2467971963, ClinGen allele CA348090137.